The following is an entry in ClinVar:

NM_005816.5(CD96):c.329G>A (p.Cys110Tyr)

Gene: CD96 (CD96 molecule; plus strand). Cytogenetic location: 3q13.13.
Variant type: single nucleotide variant.
Coding change: c.329G>A on transcript NM_005816.5 (MANE Select); coding-DNA position 329, G replaced by A.
Protein change: p.Cys110Tyr; replaces cysteine 110 with tyrosine.
Molecular consequence: missense variant. On other transcripts: non-coding transcript variant (1).
Genome position (GRCh38, 1-based): chr3:111,545,313, G>A. VCF-style: chr3-111545313-G-A. GRCh37 (hg19) VCF-style: chr3-111264160-G-A.
Other names: c.329G>A (NM_198196.2); c.329G>A, p.Cys110Tyr (NM_001318889.2, NM_001410800.1, NM_198196.3); short protein forms C110Y.
Identifiers: ClinVar variation 2654027 (VCV002654027.25), dbSNP rs372870533, ClinGen allele CA2534138.

ClinVar aggregate classification (germline): Conflicting classifications of pathogenicity. Review status: criteria provided, conflicting classifications (1 of 4 stars). 2 submissions from 2 submitters: Uncertain significance (1); Benign (1). Last evaluated 2024-12-16.

gnomAD v4.1: 202 of 1,613,978 alleles (0.013%); highest among the groups gnomAD compares: Admixed American, 0.04%; no homozygotes.

Submissions (2):

Ambry Genetics
Classification: Uncertain significance. Last evaluated: 2024-12-16. Review status: criteria provided, single submitter. Criteria: Ambry Variant Classification Scheme 2023. Collection method: clinical testing. Allele origin: germline.

CeGaT Center for Human Genetics Tuebingen
Classification: Benign. Last evaluated: 2022-06-01. Review status: criteria provided, single submitter. Criteria: CeGaT Center For Human Genetics Tuebingen Variant Classification Criteria Version 2. Collection method: clinical testing. Allele origin: germline. Affected: yes. Observed: 1 variant allele.
Comment: CD96: BP4, BS1, BS2